The following is an entry in ClinVar:

NM_002582.4(PARN):c.1761C>T (p.Ser587=)

Gene: PARN (poly(A)-specific ribonuclease; minus strand). Cytogenetic location: 16p13.12.
Variant type: single nucleotide variant.
Coding change: c.1761C>T on transcript NM_002582.4 (MANE Select); coding-DNA position 1761, C replaced by T.
Protein change: p.Ser587=; no amino-acid change (serine 587 retained).
Molecular consequence: synonymous variant.
Genome position (GRCh38, 1-based): chr16:14,446,991, G>A on the plus strand (C>T on the coding strand, the complement: PARN is on the minus strand). VCF-style: chr16-14446991-G-A. GRCh37 (hg19) VCF-style: chr16-14540848-G-A.
Other names: c.1578C>T, p.Ser526= (NM_001134477.3); c.1623C>T, p.Ser541= (NM_001242992.2).
Identifiers: ClinVar variation 788348 (VCV000788348.18), dbSNP rs148052946, ClinGen allele CA7911935.

ClinVar aggregate classification (germline): Benign/Likely benign. Review status: criteria provided, multiple submitters, no conflicts (2 of 4 stars). 4 submissions from 4 submitters: Benign (1); Likely benign (2). 1 of the submissions does not count toward it. Last evaluated 2026-01-31.

Conditions:
Dyskeratosis congenita, autosomal recessive 6 (DKCB6). Identifiers: MedGen C4225356, MONDO:0014600, OMIM 616353.
Pulmonary fibrosis and/or bone marrow failure, Telomere-related, 4. Also called: PULMONARY FIBROSIS AND/OR BONE MARROW FAILURE SYNDROME, TELOMERE-RELATED, 4. Identifiers: Orphanet 2032, MedGen C4225347, MONDO:0014612, OMIM 616371.
PARN-related disorder. Also called: PARN-related condition; PARN-related disorders.

Allele frequency attached by ClinVar (database versions not stated): ExAC 0.00033; 1000 Genomes Project 30x 0.00062; 1000 Genomes Project 0.00080; gnomAD 0.00103 and 0.00110; ESP Exome Variant Server 0.00116; TOPMed 0.00125.
gnomAD v4.1: 292 of 1,613,264 alleles (0.018%); highest among the groups gnomAD compares: African/African-American, 0.33%; 2 homozygotes.

Submissions (4):

Labcorp Genetics (formerly Invitae), Labcorp
Classification: Benign for Dyskeratosis congenita, autosomal recessive 6; Pulmonary fibrosis and/or bone marrow failure, Telomere-related, 4. Last evaluated: 2026-01-31. Review status: criteria provided, single submitter. Criteria: Invitae Variant Classification Sherloc (09022015). Collection method: clinical testing. Allele origin: germline.

Blueprint Genetics
Classification: Likely benign. Last evaluated: 2024-11-13. Review status: criteria provided, single submitter. Criteria: ACMG Guidelines, 2015. Collection method: clinical testing. Allele origin: germline.

Genetic Services Laboratory, University of Chicago
Classification: Likely benign. Last evaluated: 2019-01-03. Review status: criteria provided, single submitter. Criteria: ACMG Guidelines, 2015. Collection method: clinical testing. Allele origin: germline. Affected: no.

PreventionGenetics, part of Exact Sciences
Classification: Likely benign for PARN-related condition. Last evaluated: 2019-05-01. Review status: no assertion criteria provided. Collection method: clinical testing. Allele origin: germline. Not counted in ClinVar's aggregate classification.
Comment: This variant is classified as likely benign based on ACMG/AMP sequence variant interpretation guidelines (Richards et al. 2015 PMID: 25741868, with internal and published modifications).